The following is an entry in ClinVar:

NM_000310.4(PPT1):c.32C>A (p.Ala11Asp)

Gene: PPT1 (palmitoyl-protein thioesterase 1; minus strand). Cytogenetic location: 1p34.2.
Variant type: single nucleotide variant.
Coding change: c.32C>A on transcript NM_000310.4 (MANE Select); coding-DNA position 32, C replaced by A.
Protein change: p.Ala11Asp; replaces alanine 11 with aspartic acid.
Molecular consequence: missense variant.
Genome position (GRCh38, 1-based): chr1:40,097,207, G>T on the plus strand (C>A on the coding strand, the complement: PPT1 is on the minus strand). VCF-style: chr1-40097207-G-T. GRCh37 (hg19) VCF-style: chr1-40562879-G-T.
Other names: c.32C>A, p.Ala11Asp (NM_001142604.2, NM_001363695.2); short protein forms A11D.
Identifiers: ClinVar variation 2002426 (VCV002002426.4), dbSNP rs2523709819, ClinGen allele CA339850826.
Genomic context (GRCh38, chr1:40,097,207, plus strand): 5'-GCCGGCGGGTCCAGATGCTGCAGCGCCCGAGAAGCGCAGGTCCATGGCAGGAGAGCCACA[G>T]CCAAGAGCCACAGGCAGCCGGGCGACGCCATCTTCGCTGTGTCACATGACCGCGGGCGCG-3'
Protein context (NP_000301.1, residues 1-21): MASPGCLWLL[Ala11Asp]VALLPWTCAS

ClinVar aggregate classification (germline): Uncertain significance (1 of 4 stars; one submission).

Conditions:
Neuronal ceroid lipofuscinosis 1 (CLN1). Also called: CEROID LIPOFUSCINOSIS, NEURONAL, 1, VARIABLE AGE AT ONSET; PPT1-Related Neuronal Ceroid-Lipofuscinosis. Identifiers: Orphanet 228329, MedGen C1850451, MONDO:0009744, OMIM 256730.

Submission:

Labcorp Genetics (formerly Invitae), Labcorp
Classification: Uncertain significance for Neuronal ceroid lipofuscinosis 1. Last evaluated: 2022-06-04. Review status: criteria provided, single submitter. Criteria: Invitae Variant Classification Sherloc (09022015). Collection method: clinical testing. Allele origin: germline.
Comment: In summary, the available evidence is currently insufficient to determine the role of this variant in disease. Therefore, it has been classified as a Variant of Uncertain Significance. Advanced modeling of protein sequence and biophysical properties (such as structural, functional, and spatial information, amino acid conservation, physicochemical variation, residue mobility, and thermodynamic stability) performed at Invitae indicates that this missense variant is not expected to disrupt PPT1 protein function. This variant has not been reported in the literature in individuals affected with PPT1-related conditions. This variant is not present in population databases (gnomAD no frequency). This sequence change replaces alanine, which is neutral and non-polar, with aspartic acid, which is acidic and polar, at codon 11 of the PPT1 protein (p.Ala11Asp).